The following is an entry in ClinVar:

NM_000552.5(VWF):c.8275A>G (p.Met2759Val)

Gene: VWF (von Willebrand factor; minus strand). Cytogenetic location: 12p13.31.
Variant type: single nucleotide variant.
Coding change: c.8275A>G on transcript NM_000552.5 (MANE Select); coding-DNA position 8275, A replaced by G.
Protein change: p.Met2759Val; replaces methionine 2759 with valine.
Molecular consequence: missense variant.
Genome position (GRCh38, 1-based): chr12:5,949,182, T>C on the plus strand (A>G on the coding strand, the complement: VWF is on the minus strand). VCF-style: chr12-5949182-T-C. GRCh37 (hg19) VCF-style: chr12-6058348-T-C.
Other names: short protein forms M2759V.
Identifiers: ClinVar variation 627397 (VCV000627397.4), dbSNP rs776211115, ClinGen allele CA232258301.
Genomic context (GRCh38, chr12:5,949,182, plus strand): 5'-TCCGTGTCGGAGAGCAGCAGGAGCACTGGTCCTGCACATCGTTGATGTCAATGGAGTACA[T>C]GGCTTTGCTGGCACATTTGCCCTGCAAGAAAGCAGAGGAAGATGGGAGCTTCACAATGGT-3'
Protein context (NP_000543.3, residues 2749-2769): YCQGKCASKA[Met2759Val]YSIDINDVQD

ClinVar aggregate classification (germline): Uncertain significance. Review status: criteria provided, multiple submitters, no conflicts (2 of 4 stars). 2 submissions from 2 submitters: Uncertain significance (2). Last evaluated 2024-03-05.

Conditions:
Hereditary von Willebrand disease. Identifiers: Orphanet 903, MedGen C5703318, MONDO:0019565. Inheritance: Autosomal recessive or Autosomal dominant.

Allele frequency attached by ClinVar (database versions not stated): TOPMed below 0.00001; gnomAD exomes 0.00001.
gnomAD v4.1: 10 of 1,614,178 alleles (0.00062%); highest among the groups gnomAD compares: Non-Finnish European, 0.00085%; no homozygotes.

Submissions (2):

Women's Health and Genetics/Laboratory Corporation of America, LabCorp
Classification: Uncertain significance. Last evaluated: 2024-03-05. Review status: criteria provided, single submitter. Criteria: LabCorp Variant Classification Summary - May 2015. Collection method: clinical testing. Allele origin: germline.
Comment: Variant summary: VWF c.8275A>G (p.Met2759Val) results in a conservative amino acid change located in the Cystine knot, C-terminal (IPR006207) of the encoded protein sequence. Five of five in-silico tools predict a benign effect of the variant on protein function. The variant was absent in 250974 control chromosomes. The available data on variant occurrences in the general population are insufficient to allow any conclusion about variant significance. c.8275A>G has been reported in the literature in one individual affected with abnormal coagulation, without strong evidence for causality (Downes_2019). These report(s) do not provide unequivocal conclusions about association of the variant with Von Willebrand Disease. To our knowledge, no experimental evidence demonstrating an impact on protein function has been reported. The following publication have been ascertained in the context of this evaluation (PMID: 31064749). ClinVar contains an entry for this variant (Variation ID: 627397). Based on the evidence outlined above, the variant was classified as uncertain significance.

NIHR Bioresource Rare Diseases, University of Cambridge
Classification: Uncertain significance for von Willebrand disorder. Last evaluated: 2019-02-01. Review status: criteria provided, single submitter. Criteria: ACMG Guidelines, 2015. Collection method: research. Allele origin: unknown. Affected: yes. Observed: 1 heterozygote. Study: ThromboGenomics.

Literature cited by the submitters: PubMed 31064749 (cited by Women's Health and Genetics/Laboratory Corporation of America, LabCorp and NIHR Bioresource Rare Diseases, University of Cambridge).